The following is an entry in ClinVar:

ClinVar aggregate classification (germline): Uncertain significance (1 of 4 stars; one submission).

Submission:

GeneDx
Classification: Uncertain significance. Last evaluated: 2022-05-24. Review status: criteria provided, single submitter. Criteria: GeneDx Variant Classification Process June 2021. Collection method: clinical testing. Allele origin: germline. Affected: yes.
Comment: Not observed at significant frequency in large population cohorts (gnomAD); In silico analysis supports that this missense variant has a deleterious effect on protein structure/function; Has not been previously published as pathogenic or benign to our knowledge

NM_001042681.2(RERE):c.3319C>A (p.Pro1107Thr)

Gene: RERE (arginine-glutamic acid dipeptide repeats; minus strand). Cytogenetic location: 1p36.23.
Variant type: single nucleotide variant.
Coding change: c.3319C>A on transcript NM_001042681.2 (MANE Select); coding-DNA position 3319, C replaced by A.
Protein change: p.Pro1107Thr; replaces proline 1107 with threonine.
Molecular consequence: missense variant.
Genome position (GRCh38, 1-based): chr1:8,360,188, G>T on the plus strand (C>A on the coding strand, the complement: RERE is on the minus strand). VCF-style: chr1-8360188-G-T. GRCh37 (hg19) VCF-style: chr1-8420248-G-T.
Other names: c.1657C>A, p.Pro553Thr (NM_001042682.2); c.3319C>A, p.Pro1107Thr (NM_012102.4); short protein forms P1107T, P553T.
Identifiers: ClinVar variation 1801136 (VCV001801136.1), dbSNP rs1339490148, ClinGen allele CA338170836.